The following is an entry in ClinVar:

NM_002382.5(MAX):c.102A>G (p.Lys34=)

Genes: MAX (MYC associated transcriptional regulator X; minus strand), MAX-AS1 (MAX antisense RNA 1; plus strand). Cytogenetic location: 14q23.3.
Variant type: single nucleotide variant.
Coding change: c.102A>G on transcript NM_002382.5 (MANE Select); coding-DNA position 102, A replaced by G.
Protein change: p.Lys34=; no amino-acid change (lysine 34 retained).
Molecular consequence: synonymous variant. On other transcripts: non-coding transcript variant (12), 5 prime UTR variant (6), missense variant (1), intron variant (1).
Genome position (GRCh38, 1-based): chr14:65,093,777, T>C on the plus strand (A>G on the coding strand, the complement: MAX is on the minus strand). VCF-style: chr14-65093777-T-C. GRCh37 (hg19) VCF-style: chr14-65560495-T-C.
Other names: c.75A>G, p.Lys25= (NM_001271068.2, NM_001271069.2, NM_001407095.1 and 9 more transcripts); c.-173A>G (NM_001320415.2, NM_001407105.1, NM_001407106.1 and 1 more transcripts); c.102A>G, p.Lys34= (NM_001407094.1, NM_001407096.1, NM_001407097.1 and 5 more transcripts); c.-266A>G (NM_001407111.1, NM_001407112.1); c.125A>G, p.Asn42Ser (NM_001407114.1); c.63+7769A>G (NM_001407098.1); short protein forms N42S.
Identifiers: ClinVar variation 412778 (VCV000412778.19), dbSNP rs1060503836, ClinGen allele CA16614543.
Genomic context (GRCh38, chr14:65,093,777, plus strand): 5'-TTGGAGTGATGGGACTGAGTCCCGCAAACTGTGAAAGCTGTCTTTGATGTGGTCCCTACG[T>C]TTTCGTTCCAGTGCATTATGATGAGCCCGTTTGTCAGCCTAGAAGAATGGGAGAAAGAAC-3'
Protein context (NP_002373.3, residues 24-44): KRAHHNALER[Lys34=]RRDHIKDSFH

ClinVar aggregate classification (germline): Benign/Likely benign. Review status: criteria provided, multiple submitters, no conflicts (2 of 4 stars). 4 submissions from 4 submitters: Benign (1); Likely benign (3). Last evaluated 2026-07-21.

Conditions:
MAX-related disorder. Also called: MAX-related condition.
Hereditary cancer-predisposing syndrome. Also called: Neoplastic Syndromes, Hereditary; Tumor predisposition; Hereditary Cancer Syndrome; Hereditary neoplastic syndrome. Identifiers: Orphanet 140162, MedGen C0027672, MeSH D009386, MONDO:0015356.
Hereditary pheochromocytoma and paraganglioma. Also called: Hereditary Paraganglioma-Pheochromocytoma Syndromes; Hereditary paragangliomas and pheochromocytomas; Hereditary pheochromocytoma-paraganglioma. Identifiers: Orphanet 29072, MedGen C4274332, MONDO:0017366.
Pheochromocytoma. Also called: MAX-Related Hereditary Paraganglioma-Pheochromocytoma Syndrome. Identifiers: Orphanet 29072, MedGen C0031511, MONDO:0008233, OMIM 171300, HP:0002666.

Allele frequency attached by ClinVar (database versions not stated): gnomAD exomes below 0.00001; gnomAD 0.00003; TOPMed 0.00003.
gnomAD v4.1: 6 of 1,611,584 alleles (0.00037%); highest among the groups gnomAD compares: African/African-American, 0.0067%; no homozygotes.

Submissions (4):

PreventionGenetics, part of Exact Sciences
Classification: Likely benign for MAX-related condition. Last evaluated: 2026-07-21. Review status: criteria provided, single submitter. Criteria: ACMG Guidelines, 2015. Collection method: clinical testing. Allele origin: germline.
Comment: This variant is classified as likely benign based on ACMG/AMP sequence variant interpretation guidelines (Richards et al. 2015 PMID: 25741868, with internal and published modifications).

Myriad Genetics, Inc.
Classification: Benign for Pheochromocytoma. Last evaluated: 2026-06-08. Review status: criteria provided, single submitter. Criteria: Myriad Autosomal Dominant, Autosomal Recessive and X-Linked Classification Criteria (2023). Collection method: clinical testing. Allele origin: unknown.
Comment: This variant is considered benign. This variant is a silent/synonymous amino acid change and it is not expected to impact splicing.

Labcorp Genetics (formerly Invitae), Labcorp
Classification: Likely benign for Hereditary pheochromocytoma and paraganglioma. Last evaluated: 2025-11-11. Review status: criteria provided, single submitter. Criteria: Invitae Variant Classification Sherloc (09022015). Collection method: clinical testing. Allele origin: germline.

Ambry Genetics
Classification: Likely benign for Hereditary cancer-predisposing syndrome. Last evaluated: 2019-03-31. Review status: criteria provided, single submitter. Criteria: Ambry Variant Classification Scheme 2023. Collection method: clinical testing. Allele origin: germline.